The following is an entry in ClinVar:

NM_000117.3(EMD):c.82+6C>T

Gene: EMD (emerin; plus strand). Cytogenetic location: Xq28.
Variant type: single nucleotide variant.
Coding change: c.82+6C>T on transcript NM_000117.3 (MANE Select); 6 bases into the intron after coding-DNA position 82, C replaced by T.
Molecular consequence: intron variant.
Genome position (GRCh38, 1-based): chrX:154,379,572, C>T. VCF-style: chrX-154379572-C-T. GRCh37 (hg19) VCF-style: chrX-153607932-C-T.
Identifiers: ClinVar variation 4775620 (VCV004775620.1).

ClinVar aggregate classification (germline): Uncertain significance (1 of 4 stars; one submission).

Conditions:
X-linked Emery-Dreifuss muscular dystrophy. Also called: Muscular dystrophy, tardive Emery-Dreifuss type, with contractures. Identifiers: Orphanet 261, Orphanet 98863, MedGen C0751337, MONDO:0010680.

Submission:

Labcorp Genetics (formerly Invitae), Labcorp
Classification: Uncertain significance for X-linked Emery-Dreifuss muscular dystrophy. Last evaluated: 2025-08-21. Review status: criteria provided, single submitter. Criteria: Invitae Variant Classification Sherloc (09022015). Collection method: clinical testing. Allele origin: germline.
Comment: This sequence change falls in intron 1 of the EMD gene. It does not directly change the encoded amino acid sequence of the EMD protein. It affects a nucleotide within the consensus splice site. This variant is not present in population databases (gnomAD no frequency). This variant has not been reported in the literature in individuals affected with EMD-related conditions. Variants that disrupt the consensus splice site are a relatively common cause of aberrant splicing (PMID: 17576681, 9536098). Algorithms developed to predict the effect of sequence changes on RNA splicing suggest that this variant is not likely to affect RNA splicing. In summary, the available evidence is currently insufficient to determine the role of this variant in disease. Therefore, it has been classified as a Variant of Uncertain Significance.

Literature cited by the submitters: PubMed 17576681; PubMed 9536098.